The following is an entry in ClinVar:

NM_012079.6(DGAT1):c.980C>G (p.Ala327Gly)

Gene: DGAT1 (diacylglycerol O-acyltransferase 1; minus strand). Cytogenetic location: 8q24.3.
Variant type: single nucleotide variant.
Coding change: c.980C>G on transcript NM_012079.6 (MANE Select); coding-DNA position 980, C replaced by G.
Protein change: p.Ala327Gly; replaces alanine 327 with glycine.
Molecular consequence: missense variant.
Genome position (GRCh38, 1-based): chr8:144,317,545, G>C on the plus strand (C>G on the coding strand, the complement: DGAT1 is on the minus strand). VCF-style: chr8-144317545-G-C. GRCh37 (hg19) VCF-style: chr8-145541208-G-C.
Other names: short protein forms A327G.
Identifiers: ClinVar variation 1977768 (VCV001977768.2), dbSNP rs782806278, ClinGen allele CA187664588.

ClinVar aggregate classification (germline): Uncertain significance (1 of 4 stars; one submission).

gnomAD v4.1: 28 of 1,613,848 alleles (0.0017%); highest among the groups gnomAD compares: Non-Finnish European, 0.0023%; no homozygotes.

Submission:

Labcorp Genetics (formerly Invitae), Labcorp
Classification: Uncertain significance. Last evaluated: 2022-10-14. Review status: criteria provided, single submitter. Criteria: Invitae Variant Classification Sherloc (09022015). Collection method: clinical testing. Allele origin: germline.
Comment: This sequence change replaces alanine, which is neutral and non-polar, with glycine, which is neutral and non-polar, at codon 327 of the DGAT1 protein (p.Ala327Gly). This variant is not present in population databases (gnomAD no frequency). This variant has not been reported in the literature in individuals affected with DGAT1-related conditions. Algorithms developed to predict the effect of missense changes on protein structure and function are either unavailable or do not agree on the potential impact of this missense change (SIFT: "Deleterious"; PolyPhen-2: "Possibly Damaging"; Align-GVGD: "Class C0"). In summary, the available evidence is currently insufficient to determine the role of this variant in disease. Therefore, it has been classified as a Variant of Uncertain Significance.